The following is an entry in ClinVar:

ClinVar aggregate classification (germline): Likely pathogenic (0 of 4 stars; one submission).

Conditions:
NPHP3-related disorder. Also called: NPHP3-related disorders; NPHP3-related condition. Identifiers: MedGen CN379163.

Submission:

PreventionGenetics, part of Exact Sciences
Classification: Likely pathogenic for NPHP3-related condition. Last evaluated: 2024-02-27. Review status: no assertion criteria provided. Collection method: clinical testing. Allele origin: germline.
Comment: The NPHP3 c.3233delT variant is predicted to result in a frameshift and premature protein termination (p.Leu1078Tyrfs*3). To our knowledge, this variant has not been reported in the literature or in a large population database, indicating this variant is rare. Frameshift variants in NPHP3 are expected to be pathogenic. This variant is interpreted as likely pathogenic.

NM_153240.5(NPHP3):c.3233del (p.Leu1078fs)

Genes: NPHP3 (nephrocystin 3; minus strand), NPHP3-ACAD11 (NPHP3-ACAD11 readthrough (NMD candidate); minus strand). Cytogenetic location: 3q22.1.
Variant type: Deletion.
Coding change: c.3233del on transcript NM_153240.5 (MANE Select); coding-DNA position 3233, one base deleted (T; older notation c.3233delT).
Protein change: p.Leu1078fs; shifts the reading frame from leucine 1078.
Molecular consequence: frameshift variant. On other transcripts: non-coding transcript variant (1).
Genome position (GRCh38, 1-based): chr3:132,686,356, A deleted on the plus strand (T on the coding strand, the reverse complement: NPHP3 is on the minus strand); the first of 3 consecutive A bases (chr3:132,686,356-132,686,358); deleting any one gives the same sequence. VCF-style (leftmost placement, unchanged base first): chr3-132686355-TA-T. GRCh37 (hg19) VCF-style: chr3-132405199-TA-T.
Other names: short protein forms L1078fs.
Identifiers: ClinVar variation 3061084 (VCV003061084.2), dbSNP rs2530385996, ClinGen allele CA2740091018.